The following is an entry in ClinVar:

NM_002471.4(MYH6):c.3492G>T (p.Glu1164Asp)

Gene: MYH6 (myosin heavy chain 6; minus strand). Cytogenetic location: 14q11.2.
Variant type: single nucleotide variant.
Coding change: c.3492G>T on transcript NM_002471.4 (MANE Select); coding-DNA position 3492, G replaced by T.
Protein change: p.Glu1164Asp; replaces glutamic acid 1164 with aspartic acid.
Molecular consequence: missense variant.
Genome position (GRCh38, 1-based): chr14:23,390,297, C>A on the plus strand (G>T on the coding strand, the complement: MYH6 is on the minus strand). VCF-style: chr14-23390297-C-A. GRCh37 (hg19) VCF-style: chr14-23859506-C-A.
Other names: short protein forms E1164D.
Identifiers: ClinVar variation 1731953 (VCV001731953.5), dbSNP rs1439017876, ClinGen allele CA389006197.

ClinVar aggregate classification (germline): Uncertain significance. Review status: criteria provided, multiple submitters, no conflicts (2 of 4 stars). 4 submissions from 4 submitters: Uncertain significance (4). Last evaluated 2026-06-04.

Conditions:
MYH6-related disorder. Also called: MYH6-Related Disorders; MYH6-related condition.
Cardiovascular phenotype. Identifiers: MedGen CN230736.
Hypertrophic cardiomyopathy 14. Identifiers: MedGen C2750467, MONDO:0013197, OMIM 613251.

Allele frequency attached by ClinVar (database versions not stated): gnomAD exomes below 0.00001; TOPMed below 0.00001; gnomAD 0.00001.

Submissions (4):

PreventionGenetics, part of Exact Sciences
Classification: Uncertain significance for MYH6-related condition. Last evaluated: 2026-06-04. Review status: criteria provided, single submitter. Criteria: ACMG Guidelines, 2015. Collection method: clinical testing. Allele origin: germline.
Comment: The MYH6 c.3492G>T variant is predicted to result in the amino acid substitution p.Glu1164Asp. To our knowledge, this variant has not been reported in the literature. This variant is reported in 0.012% of alleles in individuals of African descent in gnomAD. At this time, the clinical significance of this variant is uncertain due to the absence of conclusive functional and genetic evidence.

Labcorp Genetics (formerly Invitae), Labcorp
Classification: Uncertain significance for Hypertrophic cardiomyopathy 14. Last evaluated: 2026-01-13. Review status: criteria provided, single submitter. Criteria: Invitae Variant Classification Sherloc (09022015). Collection method: clinical testing. Allele origin: germline.
Comment: This sequence change replaces glutamic acid, which is acidic and polar, with aspartic acid, which is acidic and polar, at codon 1164 of the MYH6 protein (p.Glu1164Asp). This variant is present in population databases (no rsID available, gnomAD 0.01%). This variant has not been reported in the literature in individuals affected with MYH6-related conditions. ClinVar contains an entry for this variant (Variation ID: 1731953). Invitae Evidence Modeling of protein sequence and biophysical properties (such as structural, functional, and spatial information, amino acid conservation, physicochemical variation, residue mobility, and thermodynamic stability) indicates that this missense variant is not expected to disrupt MYH6 protein function with a negative predictive value of 80%. In summary, the available evidence is currently insufficient to determine the role of this variant in disease. Therefore, it has been classified as a Variant of Uncertain Significance.

GeneDx
Classification: Uncertain significance. Last evaluated: 2025-03-10. Review status: criteria provided, single submitter. Criteria: GeneDx Variant Classification Process June 2021. Collection method: clinical testing. Allele origin: germline. Affected: yes.
Comment: Not observed at significant frequency in large population cohorts (gnomAD); In silico analysis indicates that this missense variant does not alter protein structure/function; Has not been previously published as pathogenic or benign to our knowledge

Ambry Genetics
Classification: Uncertain significance for Cardiovascular phenotype. Last evaluated: 2019-06-26. Review status: criteria provided, single submitter. Criteria: Ambry Variant Classification Scheme 2023. Collection method: clinical testing. Allele origin: germline.
Comment: The p.E1164D variant (also known as c.3492G>T), located in coding exon 24 of the MYH6 gene, results from a G to T substitution at nucleotide position 3492. The glutamic acid at codon 1164 is replaced by aspartic acid, an amino acid with highly similar properties. This amino acid position is highly conserved in available vertebrate species. In addition, this alteration is predicted to be tolerated by in silico analysis. Since supporting evidence is limited at this time, the clinical significance of this alteration remains unclear.